The following is an entry in ClinVar:

NM_144997.7(FLCN):c.1461A>C (p.Glu487Asp)

Gene: FLCN (folliculin; minus strand). Cytogenetic location: 17p11.2.
Variant type: single nucleotide variant.
Coding change: c.1461A>C on transcript NM_144997.7 (MANE Select); coding-DNA position 1461, A replaced by C.
Protein change: p.Glu487Asp; replaces glutamic acid 487 with aspartic acid.
Molecular consequence: missense variant.
Genome position (GRCh38, 1-based): chr17:17,215,062, T>G on the plus strand (A>C on the coding strand, the complement: FLCN is on the minus strand). VCF-style: chr17-17215062-T-G. GRCh37 (hg19) VCF-style: chr17-17118376-T-G.
Other names: c.1515A>C, p.Glu505Asp (NM_001353229.2); c.1461A>C, p.Glu487Asp (NM_001353230.2, NM_001353231.2); short protein forms E487D, E505D.
Identifiers: ClinVar variation 1773157 (VCV001773157.3), dbSNP rs1597578928, ClinGen allele CA398530965.

ClinVar aggregate classification (germline): Uncertain significance (1 of 4 stars; one submission).

Conditions:
Hereditary cancer-predisposing syndrome. Also called: Hereditary Cancer Syndrome; Hereditary neoplastic syndrome; Neoplastic Syndromes, Hereditary; Tumor predisposition. Identifiers: Orphanet 140162, MedGen C0027672, MeSH D009386, MONDO:0015356.

Submission:

Ambry Genetics
Classification: Uncertain significance for Hereditary cancer-predisposing syndrome. Last evaluated: 2025-05-28. Review status: criteria provided, single submitter. Criteria: Ambry Variant Classification Scheme 2023. Collection method: clinical testing. Allele origin: germline.
Comment: The p.E487D variant (also known as c.1461A>C), located in coding exon 10 of the FLCN gene, results from an A to C substitution at nucleotide position 1461. The glutamic acid at codon 487 is replaced by aspartic acid, an amino acid with highly similar properties. This amino acid position is conserved. In addition, this alteration is predicted to be deleterious by in silico analysis. Since supporting evidence is limited at this time, the clinical significance of this alteration remains unclear.